The following is an entry in ClinVar:

ClinVar aggregate classification (germline): Uncertain significance. Review status: criteria provided, multiple submitters, no conflicts (2 of 4 stars). 2 submissions from 2 submitters: Uncertain significance (2). Last evaluated 2025-09-22.

Conditions:
Autoimmune lymphoproliferative syndrome, type III caused by mutation in PRKCD. Identifiers: Orphanet 3261, Orphanet 664711, MedGen C3809928, MONDO:8000024, OMIM 615559.

gnomAD v4.1: 8 of 1,613,984 alleles (0.0005%); highest among the groups gnomAD compares: Admixed American, 0.0017%; no homozygotes.

Submissions (2):

Labcorp Genetics (formerly Invitae), Labcorp
Classification: Uncertain significance for Autoimmune lymphoproliferative syndrome, type III caused by mutation in PRKCD. Last evaluated: 2025-09-22. Review status: criteria provided, single submitter. Criteria: Invitae Variant Classification Sherloc (09022015). Collection method: clinical testing. Allele origin: germline.
Comment: This sequence change replaces glutamic acid, which is acidic and polar, with lysine, which is basic and polar, at codon 671 of the PRKCD protein (p.Glu671Lys). This variant is present in population databases (rs782481552, gnomAD 0.003%). This variant has not been reported in the literature in individuals affected with PRKCD-related conditions. An algorithm developed to predict the effect of missense changes on protein structure and function (PolyPhen-2) suggests that this variant is likely to be tolerated. In summary, the available evidence is currently insufficient to determine the role of this variant in disease. Therefore, it has been classified as a Variant of Uncertain Significance.

Blueprint Genetics
Classification: Uncertain significance. Last evaluated: 2019-07-01. Review status: criteria provided, single submitter. Criteria: ACMG Guidelines, 2015. Collection method: clinical testing. Allele origin: germline.

NM_006254.4(PRKCD):c.2011G>A (p.Glu671Lys)

Genes: PRKCD (protein kinase C delta; plus strand), LOC129936899 (ATAC-STARR-seq lymphoblastoid active region 19967; plus strand). Cytogenetic location: 3p21.1.
Variant type: single nucleotide variant.
Coding change: c.2011G>A on transcript NM_006254.4 (MANE Select); coding-DNA position 2011, G replaced by A.
Protein change: p.Glu671Lys; replaces glutamic acid 671 with lysine.
Molecular consequence: missense variant.
Genome position (GRCh38, 1-based): chr3:53,192,246, G>A. VCF-style: chr3-53192246-G-A. GRCh37 (hg19) VCF-style: chr3-53226262-G-A.
Other names: c.2011G>A, p.Glu671Lys (NM_001316327.2, NM_001354679.2, NM_001354680.2 and 1 more transcripts); c.2068G>A, p.Glu690Lys (NM_001354676.2); c.2059G>A, p.Glu687Lys (NM_001354678.2); short protein forms E690K, E671K, E687K.
Identifiers: ClinVar variation 4759737 (VCV004759737.2).
Genomic context (GRCh38, chr3:53,192,246, plus strand): 5'-CTCATCGACTCCATGGACCAGTCTGCATTCGCTGGCTTCTCCTTTGTGAACCCCAAATTC[G>A]AGCACCTCCTGGAAGATTGAGGTTCCTGGACAGATCAGGCTAGCCCTGCCCTCCACCCAC-3'
Protein context (NP_006245.2, residues 661-676): AGFSFVNPKF[Glu671Lys]HLLED